The following is an entry in ClinVar:

ClinVar aggregate classification (germline): Benign. Review status: criteria provided, multiple submitters, no conflicts (2 of 4 stars). 2 submissions from 2 submitters: Benign (2). Last evaluated 2018-06-14.

Allele frequency attached by ClinVar (database versions not stated): ESP Exome Variant Server 0.76901; TOPMed 0.77573; gnomAD 0.77698 and 0.77791; 1000 Genomes Project 30x 0.81480; 1000 Genomes Project 0.82009.
gnomAD v4.1: 1,201,551 of 1,591,016 alleles (76%); highest among the groups gnomAD compares: East Asian, 92%; 455,160 homozygotes.

Submissions (2):

GeneDx
Classification: Benign. Last evaluated: 2018-06-14. Review status: criteria provided, single submitter. Criteria: GeneDx Variant Classification (06012015). Collection method: clinical testing. Allele origin: germline. Affected: yes.
Comment: This variant is considered likely benign or benign based on one or more of the following criteria: it is a conservative change, it occurs at a poorly conserved position in the protein, it is predicted to be benign by multiple in silico algorithms, and/or has population frequency not consistent with disease.

Breakthrough Genomics
Classification: Benign. Review status: criteria provided, single submitter. Criteria: ACMG Guidelines, 2015. Collection method: not provided. Allele origin: germline. Inheritance: Autosomal recessive inheritance. Affected: yes.

NM_001244008.2(KIF1A):c.4869-25G>T

Gene: KIF1A (kinesin family member 1A; minus strand). Cytogenetic location: 2q37.3.
Variant type: single nucleotide variant.
Coding change: c.4869-25G>T on transcript NM_001244008.2 (MANE Select); 25 bases into the intron before coding-DNA position 4869, G replaced by T.
Molecular consequence: intron variant.
Genome position (GRCh38, 1-based): chr2:240,719,951, C>A on the plus strand (G>T on the coding strand, the complement: KIF1A is on the minus strand). VCF-style: chr2-240719951-C-A. GRCh37 (hg19) VCF-style: chr2-241659368-C-A.
Other names: c.4566-25G>T (NM_001379653.1, NM_001379650.1, NM_001379641.1 and 2 more transcripts); c.4842-25G>T (NM_001379645.1, NM_001379633.1); c.4692-25G>T (NM_001379635.1, NM_001379646.1); c.4563-25G>T (NM_001379640.1); c.4590-25G>T (NM_001379639.1); c.4593-25G>T (NM_001379649.1, NM_001320705.2); c.4680-25G>T (NM_001379636.1); c.4845-25G>T (NM_001379632.1); and 7 more.
Identifiers: ClinVar variation 670495 (VCV000670495.2), dbSNP rs6437368, ClinGen allele CA2207265.